The following is an entry in ClinVar:

NM_000090.4(COL3A1):c.4017C>G (p.Ser1339Arg)

Gene: COL3A1 (collagen type III alpha 1 chain; plus strand). Cytogenetic location: 2q32.2.
Variant type: single nucleotide variant.
Coding change: c.4017C>G on transcript NM_000090.4 (MANE Select); coding-DNA position 4017, C replaced by G.
Protein change: p.Ser1339Arg; replaces serine 1339 with arginine.
Molecular consequence: missense variant.
Genome position (GRCh38, 1-based): chr2:189,010,653, C>G. VCF-style: chr2-189010653-C-G. GRCh37 (hg19) VCF-style: chr2-189875379-C-G.
Other names: short protein forms S1339R.
Identifiers: ClinVar variation 3021843 (VCV003021843.3), dbSNP rs2469170072, ClinGen allele CA349849091.

ClinVar aggregate classification (germline): Uncertain significance (1 of 4 stars; one submission).

Conditions:
Ehlers-Danlos syndrome, type 4 (EDSVASC). Also called: Ehlers-Danlos Syndrome Type IV; Ehlers-Danlos syndrome vascular type; Ehlers Danlos syndrome, ecchymotic type; Ehlers Danlos syndrome, arterial type; Ehlers Danlos syndrome, Sack-Barabas type. Identifiers: Orphanet 286, MedGen C0268338, MONDO:0017314, OMIM 130050.

Submission:

Labcorp Genetics (formerly Invitae), Labcorp
Classification: Uncertain significance for Ehlers-Danlos syndrome, type 4. Last evaluated: 2023-02-16. Review status: criteria provided, single submitter. Criteria: Invitae Variant Classification Sherloc (09022015). Collection method: clinical testing. Allele origin: germline.
Comment: In summary, the available evidence is currently insufficient to determine the role of this variant in disease. Therefore, it has been classified as a Variant of Uncertain Significance. Advanced modeling of protein sequence and biophysical properties (such as structural, functional, and spatial information, amino acid conservation, physicochemical variation, residue mobility, and thermodynamic stability) performed at Invitae indicates that this missense variant is not expected to disrupt COL3A1 protein function. This variant has not been reported in the literature in individuals affected with COL3A1-related conditions. This variant is not present in population databases (gnomAD no frequency). This sequence change replaces serine, which is neutral and polar, with arginine, which is basic and polar, at codon 1339 of the COL3A1 protein (p.Ser1339Arg).